The following is an entry in ClinVar:

ClinVar aggregate classification (germline): Likely pathogenic (1 of 4 stars; one submission).

Conditions:
Hereditary angioedema type 1 (HAE1). Identifiers: Orphanet 100050, Orphanet 100051, Orphanet 91378, MedGen C2717906, MONDO:0015053, OMIM 106100.

Submission:

Alergia E Inmunologia Clinica Pediatrica, Hospital Civil Nuevo Dr. Juan I. Menchaca
Classification: Likely pathogenic for Hereditary angioedema type 1. Last evaluated: 2026-04-13. Review status: criteria provided, single submitter. Criteria: ACMG Guidelines, 2015. Collection method: clinical testing. Allele origin: unknown. Inheritance: Autosomal dominant inheritance. Affected: yes.
Comment: The heterozygous SERPING1 NM_000062.2:c.148dup (p.Ile50AsnfsTer8) variant causes a frameshift beginning at codon 50 in exon 3 of 8 and introduces a premature termination codon. Loss of function of SERPING1 is an established disease mechanism for autosomal dominant hereditary angioedema due to C1 inhibitor deficiency. The molecular result was considered compatible with a genetic diagnosis of hereditary angioedema type I/II. At the time of evaluation, the variant was absent from gnomAD, ESP, and the 1000 Genomes Project and had not been previously described in the literature reviewed by the testing laboratory. No additional clinically relevant variants were detected. Parental testing was not available; therefore, the variant origin remains unknown. Based on the testing laboratory's implementation of ACMG/AMP and ClinGen SVI recommendations, this variant was classified as likely pathogenic.

NM_000062.3(SERPING1):c.148dup (p.Ile50fs)

Gene: SERPING1 (serpin family G member 1; plus strand). Cytogenetic location: 11q12.1.
Variant type: Duplication.
Coding change: c.148dup on transcript NM_000062.3 (MANE Select); coding-DNA position 148, one base duplicated (A; older notation c.148dupA).
Protein change: p.Ile50fs; shifts the reading frame from isoleucine 50.
Molecular consequence: frameshift variant.
Genome position (GRCh38, 1-based): chr11:57,599,975, A duplicated. VCF-style (leftmost placement, unchanged base first): chr11-57599974-T-TA. GRCh37 (hg19) VCF-style: chr11-57367447-T-TA.
Other names: c.148dup, p.Ile50fs (NM_001032295.2); short protein forms I50fs.
Identifiers: ClinVar variation 4857722 (VCV004857722.1).